The following is an entry in ClinVar:

ClinVar aggregate classification (germline): Conflicting classifications of pathogenicity. Review status: criteria provided, conflicting classifications (1 of 4 stars). 6 submissions from 6 submitters: Uncertain significance (5); Likely benign (1). Last evaluated 2025-11-03.

Conditions:
Hereditary cancer-predisposing syndrome. Also called: Hereditary Cancer Syndrome; Tumor predisposition; Neoplastic Syndromes, Hereditary; Hereditary neoplastic syndrome. Identifiers: Orphanet 140162, MedGen C0027672, MeSH D009386, MONDO:0015356.
Inborn genetic diseases. Identifiers: MedGen C0950123, MeSH D030342.
Acute myeloid leukemia (AML). Also called: Leukemia, acute myeloid, somatic; Leukemia, acute myelogenous, somatic; Acute myeloid leukemia, adult; AML adult; Acute non-lymphocytic leukemia; Acute granulocytic leukemia. Identifiers: Orphanet 519, MedGen C0023467, MeSH D015470, MONDO:0018874, OMIM 601626, HP:0004808. Disease mechanism: Constitutively activated FLT3.

Allele frequency attached by ClinVar (database versions not stated): gnomAD 0.00012 and 0.00011; TOPMed 0.00010.

Submissions (6):

Labcorp Genetics (formerly Invitae), Labcorp
Classification: Uncertain significance for Acute myeloid leukemia. Last evaluated: 2025-11-03. Review status: criteria provided, single submitter. Criteria: Invitae Variant Classification Sherloc (09022015). Collection method: clinical testing. Allele origin: germline.
Comment: This sequence change replaces proline, which is neutral and non-polar, with threonine, which is neutral and polar, at codon 237 of the CEBPA protein (p.Pro237Thr). This variant is present in population databases (no rsID available, gnomAD 0.04%). This variant has not been reported in the literature in individuals affected with CEBPA-related conditions. ClinVar contains an entry for this variant (Variation ID: 526800). Invitae Evidence Modeling of protein sequence and biophysical properties (such as structural, functional, and spatial information, amino acid conservation, physicochemical variation, residue mobility, and thermodynamic stability) indicates that this missense variant is not expected to disrupt CEBPA protein function with a negative predictive value of 80%. In summary, the available evidence is currently insufficient to determine the role of this variant in disease. Therefore, it has been classified as a Variant of Uncertain Significance.

Ambry Genetics
Classification: Likely benign for Inborn genetic diseases. Last evaluated: 2024-11-24. Review status: criteria provided, single submitter. Criteria: Ambry Variant Classification Scheme 2023. Collection method: clinical testing. Allele origin: germline.

GeneDx
Classification: Uncertain significance. Last evaluated: 2024-02-16. Review status: criteria provided, single submitter. Criteria: GeneDx Variant Classification Process June 2021. Collection method: clinical testing. Allele origin: germline. Affected: yes.
Comment: In silico analysis supports that this missense variant does not alter protein structure/function; Has not been previously published as pathogenic or benign to our knowledge

Baylor Genetics
Classification: Uncertain significance for Acute myeloid leukemia. Last evaluated: 2023-09-26. Review status: criteria provided, single submitter. Criteria: ACMG Guidelines, 2015. Collection method: clinical testing. Allele origin: unknown.

Sema4
Classification: Uncertain significance for Hereditary cancer-predisposing syndrome. Last evaluated: 2021-10-11. Review status: criteria provided, single submitter. Criteria: Sema4 Curation Guidelines. Collection method: curation. Allele origin: germline.
Comment: The CEBPA c.709C>A (p.P237T) variant has not been reported in the literature to our knowledge. It was observed in 3/8236 chromosomes of the African/African American subpopulation in the large and broad cohorts of the Genome Aggregation Database (PMID: 32461654). The variant has been reported in ClinVar (Variation ID: 526800). In silico tools suggest the impact of the variant on protein function is benign, though these predictions have not been confirmed by functional studies. The evidence is insufficient to meet ACMG/AMP criteria for classifying the variant as benign or pathogenic. Thus, the clinical significance of this variant is currently uncertain.

Fulgent Genetics
Classification: Uncertain significance for Acute myeloid leukemia. Last evaluated: 2018-10-31. Review status: criteria provided, single submitter. Criteria: ACMG Guidelines, 2015. Collection method: clinical testing. Allele origin: unknown.

NM_004364.5(CEBPA):c.709C>A (p.Pro237Thr)

Gene: CEBPA (CCAAT enhancer binding protein alpha; minus strand). Cytogenetic location: 19q13.11.
Variant type: single nucleotide variant.
Coding change: c.709C>A on transcript NM_004364.5 (MANE Select); coding-DNA position 709, C replaced by A.
Protein change: p.Pro237Thr; replaces proline 237 with threonine.
Molecular consequence: missense variant.
Genome position (GRCh38, 1-based): chr19:33,301,706, G>T on the plus strand (C>A on the coding strand, the complement: CEBPA is on the minus strand). VCF-style: chr19-33301706-G-T. GRCh37 (hg19) VCF-style: chr19-33792612-G-T.
Other names: c.352C>A, p.Pro118Thr (NM_001285829.2); c.814C>A, p.Pro272Thr (NM_001287424.2); c.667C>A, p.Pro223Thr (NM_001287435.2); short protein forms P237T, P272T, P118T, P223T.
Identifiers: ClinVar variation 526800 (VCV000526800.21), dbSNP rs921077083, ClinGen allele CA307844236.